The following is an entry in ClinVar:

NM_001128228.3(TPRN):c.586T>C (p.Phe196Leu)

Gene: TPRN (taperin; minus strand). Cytogenetic location: 9q34.3.
Variant type: single nucleotide variant.
Coding change: c.586T>C on transcript NM_001128228.3 (MANE Select); coding-DNA position 586, T replaced by C.
Protein change: p.Phe196Leu; replaces phenylalanine 196 with leucine.
Molecular consequence: missense variant.
Genome position (GRCh38, 1-based): chr9:137,200,126, A>G on the plus strand (T>C on the coding strand, the complement: TPRN is on the minus strand). VCF-style: chr9-137200126-A-G. GRCh37 (hg19) VCF-style: chr9-140094578-A-G.
Other names: short protein forms F196L.
Identifiers: ClinVar variation 1711930 (VCV001711930.2), dbSNP rs2538731199, ClinGen allele CA375781753.

ClinVar aggregate classification (germline): Uncertain significance (1 of 4 stars; one submission).

Submission:

GeneDx
Classification: Uncertain significance. Last evaluated: 2022-04-19. Review status: criteria provided, single submitter. Criteria: GeneDx Variant Classification Process June 2021. Collection method: clinical testing. Allele origin: germline. Affected: yes.
Comment: Not observed at significant frequency in large population cohorts (gnomAD); In silico analysis supports that this missense variant does not alter protein structure/function; Has not been previously published as pathogenic or benign to our knowledge